The following is an entry in ClinVar:

NM_001042492.3(NF1):c.7870-8C>A

Gene: NF1 (neurofibromin 1; plus strand). Cytogenetic location: 17q11.2.
Variant type: single nucleotide variant.
Coding change: c.7870-8C>A on transcript NM_001042492.3 (MANE Select); 8 bases into the intron before coding-DNA position 7870, C replaced by A.
Molecular consequence: intron variant.
Genome position (GRCh38, 1-based): chr17:31,357,261, C>A. VCF-style: chr17-31357261-C-A. GRCh37 (hg19) VCF-style: chr17-29684279-C-A.
Other names: c.7870-8C>A (NM_001042492.2); c.7807-8C>A (NM_000267.4).
Identifiers: ClinVar variation 220337 (VCV000220337.16), dbSNP rs372441422, ClinGen allele CA350845.
Genomic context (GRCh38, chr17:31,357,261, plus strand): 5'-ACCCAAACAGATAACAATTCAGCCACAAAGTAAAAATGTTGTGTGTTTACTTTTTTGCAT[C>A]TTGGCAGGCTACACTGGTAAAATATACCACAGATGAGTTTGATCAACGAATTCTTTATGA-3'

ClinVar aggregate classification (germline): Conflicting classifications of pathogenicity. Review status: criteria provided, conflicting classifications (1 of 4 stars). 7 submissions from 4 submitters: Uncertain significance (4); Benign (1); Likely benign (1). 1 of the submissions does not count toward it. Last evaluated 2025-12-09.

Conditions:
NF1-related disorder. Also called: NF1-related condition. Identifiers: MedGen CN379171.
Neurofibromatosis, familial spinal (FSNF). Identifiers: Orphanet 636, MedGen C1834235, MONDO:0008078, OMIM 162210. Disease mechanism: loss of function.
Café-au-lait macules with pulmonary stenosis (WTSN). Also called: PULMONIC STENOSIS WITH CAFE-AU-LAIT SPOTS. Identifiers: MedGen C0553586, MONDO:0008672, OMIM 193520.
Neurofibromatosis, type 1 (NF1). Also called: Peripheral type neurofibromatosis; NEUROFIBROMATOSIS, TYPE I, SOMATIC; Neurofibromatosis, type I; VON RECKLINGHAUSEN DISEASE. Identifiers: Orphanet 636, MedGen C0027831, MONDO:0018975, OMIM 162200. Disease mechanism: loss of function.
Neurofibromatosis-Noonan syndrome (NFNS). Also called: NEUROFIBROMATOSIS WITH NOONAN PHENOTYPE. Identifiers: Orphanet 638, MedGen C2931482, MONDO:0011035, OMIM 601321. Disease mechanism: loss of function.

Allele frequency attached by ClinVar (database versions not stated): ExAC 0.00002; gnomAD exomes 0.00002; gnomAD 0.00005 and 0.00006; TOPMed 0.00006; ESP Exome Variant Server 0.00015.
gnomAD v4.1: 69 of 1,612,916 alleles (0.0043%); highest among the groups gnomAD compares: African/African-American, 0.0067%; no homozygotes.

Submissions (7):

Labcorp Genetics (formerly Invitae), Labcorp
Classification: Benign for Neurofibromatosis, type 1. Last evaluated: 2025-12-09. Review status: criteria provided, single submitter. Criteria: Invitae Variant Classification Sherloc (09022015). Collection method: clinical testing. Allele origin: germline.

GeneDx
Classification: Uncertain significance. Last evaluated: 2020-09-29. Review status: criteria provided, single submitter. Criteria: GeneDx Variant Classification Process June 2021. Collection method: clinical testing. Allele origin: germline. Affected: yes.
Comment: Has not been previously published as pathogenic or benign to our knowledge; In-silico analysis, which includes splice predictors and evolutionary conservation, is inconclusive as to whether the variant alters gene splicing. In the absence of RNA/functional studies, the actual effect of this sequence change is unknown.

Illumina Laboratory Services, Illumina
Classification: Uncertain significance for Café-au-lait macules with pulmonary stenosis. Last evaluated: 2018-01-12. Review status: criteria provided, single submitter. Criteria: ICSL Variant Classification Criteria 13 December 2019. Collection method: clinical testing. Allele origin: germline.

Illumina Laboratory Services, Illumina
Classification: Uncertain significance for Neurofibromatosis, familial spinal. Last evaluated: 2018-01-12. Review status: criteria provided, single submitter. Criteria: ICSL Variant Classification Criteria 13 December 2019. Collection method: clinical testing. Allele origin: germline.

Illumina Laboratory Services, Illumina
Classification: Uncertain significance for Neurofibromatosis, type 1. Last evaluated: 2018-01-12. Review status: criteria provided, single submitter. Criteria: ICSL Variant Classification Criteria 13 December 2019. Collection method: clinical testing. Allele origin: germline.

Illumina Laboratory Services, Illumina
Classification: Likely benign for Neurofibromatosis-Noonan syndrome. Last evaluated: 2018-01-12. Review status: criteria provided, single submitter. Criteria: ICSL Variant Classification Criteria 13 December 2019. Collection method: clinical testing. Allele origin: germline.
Comment: This variant was observed in the ICSL laboratory as part of a predisposition screen in an ostensibly healthy population. It had not been previously curated by ICSL or reported in the Human Gene Mutation Database (HGMD: prior to June 1st, 2018), and was therefore a candidate for classification through an automated scoring system. Utilizing variant allele frequency, disease prevalence and penetrance estimates, and inheritance mode, an automated score was calculated to assess if this variant is too frequent to cause the disease. Based on the score and internal cut-off values, a variant classified as likely benign is not then subjected to further curation. The score for this variant resulted in a classification of likely benign for this disease.

PreventionGenetics, part of Exact Sciences
Classification: Likely benign for NF1-related condition. Last evaluated: 2024-04-24. Review status: no assertion criteria provided. Collection method: clinical testing. Allele origin: germline. Not counted in ClinVar's aggregate classification.
Comment: This variant is classified as likely benign based on ACMG/AMP sequence variant interpretation guidelines (Richards et al. 2015 PMID: 25741868, with internal and published modifications).